The following is an entry in ClinVar:

ClinVar aggregate classification (germline): Conflicting classifications of pathogenicity. Review status: criteria provided, conflicting classifications (1 of 4 stars). 3 submissions from 3 submitters: Uncertain significance (2); Likely benign (1). Last evaluated 2024-05-19.

Conditions:
Hereditary cancer-predisposing syndrome. Also called: Hereditary Cancer Syndrome; Hereditary neoplastic syndrome; Tumor predisposition; Neoplastic Syndromes, Hereditary. Identifiers: Orphanet 140162, MedGen C0027672, MeSH D009386, MONDO:0015356.
Hereditary breast ovarian cancer syndrome. Also called: Hereditary breast and ovarian cancer syndrome (HBOC); Hereditary breast and ovarian cancer; BRCA1- and BRCA2-Associated Hereditary Breast and Ovarian Cancer; Breast and ovarian cancer; Hereditary breast and ovarian cancer syndrome; Hereditary breast and/or ovarian cancer syndrome. Identifiers: Orphanet 145, MedGen C0677776, MeSH D061325, MONDO:0003582. Disease mechanism: loss of function.

Submissions (3):

Labcorp Genetics (formerly Invitae), Labcorp
Classification: Uncertain significance for Hereditary breast ovarian cancer syndrome. Last evaluated: 2024-05-19. Review status: criteria provided, single submitter. Criteria: Invitae Variant Classification Sherloc (09022015). Collection method: clinical testing. Allele origin: germline.
Comment: This sequence change replaces methionine, which is neutral and non-polar, with isoleucine, which is neutral and non-polar, at codon 815 of the BRCA2 protein (p.Met815Ile). This variant is not present in population databases (gnomAD no frequency). This variant has not been reported in the literature in individuals affected with BRCA2-related conditions. ClinVar contains an entry for this variant (Variation ID: 1791383). Advanced modeling of protein sequence and biophysical properties (such as structural, functional, and spatial information, amino acid conservation, physicochemical variation, residue mobility, and thermodynamic stability) performed at Invitae indicates that this missense variant is not expected to disrupt BRCA2 protein function with a negative predictive value of 95%. In summary, the available evidence is currently insufficient to determine the role of this variant in disease. Therefore, it has been classified as a Variant of Uncertain Significance.

University of Washington Department of Laboratory Medicine, University of Washington
Classification: Likely benign for Hereditary cancer-predisposing syndrome. Last evaluated: 2023-03-23. Review status: criteria provided, single submitter. Criteria: Dines et al. (Genet Med. 2020). Collection method: curation. Allele origin: germline.
Comment: Missense variant in a coldspot region where missense variants are very unlikely to be pathogenic (PMID:31911673).

BRCA2 exon 11 coldspot. Reclassification based on statistical prior probability.

Ambry Genetics
Classification: Uncertain significance for Hereditary cancer-predisposing syndrome. Last evaluated: 2020-02-25. Review status: criteria provided, single submitter. Criteria: Ambry Variant Classification Scheme 2023. Collection method: clinical testing. Allele origin: germline.
Comment: The p.M815I variant (also known as c.2445G>A), located in coding exon 10 of the BRCA2 gene, results from a G to A substitution at nucleotide position 2445. The methionine at codon 815 is replaced by isoleucine, an amino acid with highly similar properties. This amino acid position is poorly conserved in available vertebrate species. In addition, this alteration is predicted to be tolerated by in silico analysis. Since supporting evidence is limited at this time, the clinical significance of this alteration remains unclear.

NM_000059.4(BRCA2):c.2445G>A (p.Met815Ile)

Gene: BRCA2 (BRCA2 DNA repair associated; plus strand). Cytogenetic location: 13q13.1.
Variant type: single nucleotide variant.
Coding change: c.2445G>A on transcript NM_000059.4 (MANE Select); coding-DNA position 2445, G replaced by A.
Protein change: p.Met815Ile; replaces methionine 815 with isoleucine.
Molecular consequence: missense variant.
Genome position (GRCh38, 1-based): chr13:32,336,800, G>A. VCF-style: chr13-32336800-G-A. GRCh37 (hg19) VCF-style: chr13-32910937-G-A.
Other names: c.2445G>A, p.Met815Ile (NM_001406719.1, NM_001406720.1); short protein forms M815I.
Identifiers: ClinVar variation 1791383 (VCV001791383.7), dbSNP rs2137486537, ClinGen allele CA387772247.